The following is an entry in ClinVar:

ClinVar aggregate classification (germline): Conflicting classifications of pathogenicity. Review status: criteria provided, conflicting classifications (1 of 4 stars). 4 submissions from 4 submitters: Uncertain significance (3); Likely benign (1). Last evaluated 2025-11-19.

Conditions:
Familial thoracic aortic aneurysm and aortic dissection (TAAD). Also called: Thoracic aortic aneurysms and dissections. Identifiers: Orphanet 91387, MedGen C4707243, MONDO:0019625.
Ehlers-Danlos syndrome, type 4 (EDSVASC). Also called: Ehlers-Danlos syndrome vascular type; Ehlers Danlos syndrome, ecchymotic type; Ehlers Danlos syndrome, arterial type; Ehlers Danlos syndrome, Sack-Barabas type; Ehlers-Danlos Syndrome Type IV. Identifiers: Orphanet 286, MedGen C0268338, MONDO:0017314, OMIM 130050.

Submissions (4):

Labcorp Genetics (formerly Invitae), Labcorp
Classification: Likely benign for Ehlers-Danlos syndrome, type 4. Last evaluated: 2025-11-19. Review status: criteria provided, single submitter. Criteria: Invitae Variant Classification Sherloc (09022015). Collection method: clinical testing. Allele origin: germline.

Color Diagnostics, LLC DBA Color Health
Classification: Uncertain significance for Familial thoracic aortic aneurysm and aortic dissection. Last evaluated: 2021-10-01. Review status: criteria provided, single submitter. Criteria: ACMG Guidelines, 2015. Collection method: clinical testing. Allele origin: germline.
Comment: This variant causes a duplication of four nucleotides in intron 6 of the COL3A1 gene. Splice site prediction tools predict that this variant may have a significant impact on RNA splicing. However, this prediction has not been confirmed in published RNA studies. This variant has not been reported in individuals affected with cardiovascular disorders in the literature. This variant has not been identified in the general population by the Genome Aggregation Database (gnomAD). The available evidence is insufficient to determine the role of this variant in disease conclusively. Therefore, this variant is classified as a Variant of Uncertain Significance.

Ambry Genetics
Classification: Uncertain significance for Familial thoracic aortic aneurysm and aortic dissection. Last evaluated: 2020-12-17. Review status: criteria provided, single submitter. Criteria: Ambry Variant Classification Scheme 2023. Collection method: clinical testing. Allele origin: germline.
Comment: The c.582+4_582+7dupAGTA intronic variant results from a duplication of 4 nucleotides at nucleotide positions 582+4 to 582+7 after coding exon 6 of the COL3A1 gene. These nucleotide positions are highly conserved in available vertebrate species. In silico splice site analysis predicts that this alteration will result in the creation or strengthening of a novel splice donor site. Since supporting evidence is limited at this time, the clinical significance of this alteration remains unclear.

Blueprint Genetics
Classification: Uncertain significance. Last evaluated: 2020-12-04. Review status: criteria provided, single submitter. Criteria: ACMG Guidelines, 2015. Collection method: clinical testing. Allele origin: germline.

NM_000090.4(COL3A1):c.582+4_582+7dup

Gene: COL3A1 (collagen type III alpha 1 chain; plus strand). Cytogenetic location: 2q32.2.
Variant type: Duplication.
Coding change: c.582+4_582+7dup on transcript NM_000090.4 (MANE Select); bases 4 to 7 of the intron after coding-DNA position 582, 4 bases duplicated (AGTA; older notation c.582+4_582+7dupAGTA).
Molecular consequence: splice donor variant.
Genome position (GRCh38, 1-based): chr2:188,988,138-188,988,141, AGTA duplicated; duplicating any 4 consecutive bases within chr2:188,988,135-188,988,141 gives the same sequence; the c. name uses the placement nearest the transcript's 3' end. VCF-style (leftmost placement, unchanged base first): chr2-188988134-T-TGTAA. GRCh37 (hg19) VCF-style: chr2-189852860-T-TGTAA.
Identifiers: ClinVar variation 1749888 (VCV001749888.6), dbSNP rs1688101794, ClinGen allele CA1040403874.